The following is an entry in ClinVar:

ClinVar aggregate classification (germline): Conflicting classifications of pathogenicity. Review status: criteria provided, conflicting classifications (1 of 4 stars). 3 submissions from 3 submitters: Likely pathogenic (1); Uncertain significance (1). 1 of the submissions does not count toward it. Last evaluated 2025-10-13.

Conditions:
Alkaptonuria (AKU). Also called: Homogentisic acidura; Alkaptonuric ochronosis; Alcaptonuria; HOMOGENTISIC ACID OXIDASE DEFICIENCY. Identifiers: Orphanet 56, MedGen C0002066, MONDO:0008753, OMIM 203500.

gnomAD v4.1: 2 of 1,611,894 alleles (0.00012%); highest among the groups gnomAD compares: Admixed American, 0.0017%; no homozygotes.

Submissions (3):

Myriad Genetics, Inc.
Classification: Uncertain significance for Alkaptonuria. Last evaluated: 2025-10-13. Review status: criteria provided, single submitter. Criteria: Myriad Autosomal Dominant, Autosomal Recessive and X-Linked Classification Criteria (2023). Collection method: clinical testing. Allele origin: unknown.
Comment: NM_000187.3(HGD):c.127C>G(Q43E) is a missense variant classified as a variant of uncertain significance in the context of alkaptonuria. Q43E has been observed in a case with relevant disease (PMID: 33621656). Relevant functional assessments of this variant are not available in the literature. Q43E has not been observed in referenced population frequency databases. In summary, there is insufficient evidence to classify NM_000187.3(HGD):c.127C>G(Q43E) as pathogenic or benign. Please note: this variant was assessed in the context of healthy population screening.

Laboratory of Inherited Metabolic Diseases, Research centre for medical genetics
Classification: Likely pathogenic for Alkaptonuria. Last evaluated: 2020-03-03. Review status: criteria provided, single submitter. Criteria: ACMG Guidelines, 2015. Collection method: clinical testing. Allele origin: germline. Inheritance: Autosomal recessive inheritance. Affected: yes. Observed: 1 variant allele.
Comment: Severe damage of the musculoskeletal system

Department Of Human Genetics, Institute Of Clinical And Translational Research, Biomedical Research Center, Slovak Academy Of Sciences
Classification: Pathogenic for Alkaptonuria. Review status: no assertion criteria provided. Collection method: research. Allele origin: germline. Inheritance: Autosomal recessive inheritance. Affected: yes. Observed: 1 variant allele. Not counted in ClinVar's aggregate classification.
Comment: The variant was originally described in AKU patient in PMID:34504318 and PMID:33621656. It has been submitted to the HGD gene mutation database (DB-ID: AKU_00230).

Literature cited by the submitters: PubMed 33621656 (cited by Myriad Genetics, Inc. and Department Of Human Genetics, Institute Of Clinical And Translational Research, Biomedical Research Center, Slovak Academy Of Sciences); PubMed 34504318 (cited by Department Of Human Genetics, Institute Of Clinical And Translational Research, Biomedical Research Center, Slovak Academy Of Sciences).

NM_000187.4(HGD):c.127C>G (p.Gln43Glu)

Gene: HGD (homogentisate 1,2-dioxygenase; minus strand). Cytogenetic location: 3q13.33.
Variant type: single nucleotide variant.
Coding change: c.127C>G on transcript NM_000187.4 (MANE Select); coding-DNA position 127, C replaced by G.
Protein change: p.Gln43Glu; replaces glutamine 43 with glutamic acid.
Molecular consequence: missense variant.
Genome position (GRCh38, 1-based): chr3:120,674,950, G>C on the plus strand (C>G on the coding strand, the complement: HGD is on the minus strand). VCF-style: chr3-120674950-G-C. GRCh37 (hg19) VCF-style: chr3-120393797-G-C.
Other names: short protein forms Q43E.
Identifiers: ClinVar variation 929478 (VCV000929478.3), dbSNP rs1243059404, ClinGen allele CA354082091.